The following is an entry in ClinVar:

ClinVar aggregate classification (germline): Uncertain significance (1 of 4 stars; one submission).

Conditions:
Leukocyte adhesion deficiency 1 (LAD1). Also called: LEUKOCYTE ADHESION DEFICIENCY, TYPE I; LAD 1; Lymphocyte function-associated antigen 1 immunodeficiency; LFA 1 immunodeficiency. Identifiers: Orphanet 2968, Orphanet 99842, MedGen C0398738, MONDO:0007293, OMIM 116920.

Allele frequency attached by ClinVar (database versions not stated): TOPMed 0.00002; gnomAD 0.00004; gnomAD exomes 0.00006 and 0.00007; ExAC 0.00007; ESP Exome Variant Server 0.00008.
gnomAD v4.1: 110 of 1,613,912 alleles (0.0068%); highest among the groups gnomAD compares: Non-Finnish European, 0.0086%; no homozygotes.

Submission:

Labcorp Genetics (formerly Invitae), Labcorp
Classification: Uncertain significance for Leukocyte adhesion deficiency 1. Last evaluated: 2022-06-04. Review status: criteria provided, single submitter. Criteria: Invitae Variant Classification Sherloc (09022015). Collection method: clinical testing. Allele origin: germline.
Comment: This sequence change replaces arginine, which is basic and polar, with glutamine, which is neutral and polar, at codon 120 of the ITGB2 protein (p.Arg120Gln). This variant is present in population databases (rs371519127, gnomAD 0.009%). This variant has not been reported in the literature in individuals affected with ITGB2-related conditions. ClinVar contains an entry for this variant (Variation ID: 861955). Algorithms developed to predict the effect of missense changes on protein structure and function output the following: SIFT: "Deleterious"; PolyPhen-2: "Benign"; Align-GVGD: "Class C0". The glutamine amino acid residue is found in multiple mammalian species, which suggests that this missense change does not adversely affect protein function. Algorithms developed to predict the effect of sequence changes on RNA splicing suggest that this variant may create or strengthen a splice site. In summary, the available evidence is currently insufficient to determine the role of this variant in disease. Therefore, it has been classified as a Variant of Uncertain Significance.

NM_000211.5(ITGB2):c.359G>A (p.Arg120Gln)

Gene: ITGB2 (integrin subunit beta 2; minus strand). Cytogenetic location: 21q22.3.
Variant type: single nucleotide variant.
Coding change: c.359G>A on transcript NM_000211.5 (MANE Select); coding-DNA position 359, G replaced by A.
Protein change: p.Arg120Gln; replaces arginine 120 with glutamine.
Molecular consequence: missense variant.
Genome position (GRCh38, 1-based): chr21:44,903,505, C>T on the plus strand (G>A on the coding strand, the complement: ITGB2 is on the minus strand). VCF-style: chr21-44903505-C-T. GRCh37 (hg19) VCF-style: chr21-46323420-C-T.
Other names: c.359G>A, p.Arg120Gln (NM_001127491.3); c.152G>A, p.Arg51Gln (NM_001303238.2); short protein forms R120Q, R51Q.
Identifiers: ClinVar variation 861955 (VCV000861955.7), dbSNP rs371519127, ClinGen allele CA10063230.
Genomic context (GRCh38, chr21:44,903,505, plus strand): 5'-AGCATGGAGTAGGAGAGGTCCATCAGATAGTACAGGTCGATGGGGTAGCCCTTGGCCCGC[C>T]GGAAGGTCACGTTGAACGCTGCTGCCTGGCCTGCCGGTGGGGACAGAACAAAAGGAGCCA-3'
Protein context (NP_000202.3, residues 110-130): GQAAAFNVTF[Arg120Gln]RAKGYPIDLY